The following is an entry in ClinVar:

ClinVar aggregate classification (germline): Conflicting classifications of pathogenicity. Review status: criteria provided, conflicting classifications (1 of 4 stars). 3 submissions from 3 submitters: Uncertain significance (1); Likely benign (2). Last evaluated 2023-08-23.

Conditions:
Cardiomyopathy (CMYO). Also called: Cardiomyopathies. Identifiers: Orphanet 167848, MedGen C0878544, MONDO:0004994, HP:0001638. Inheritance: Various modes of inheritance.
Arrhythmogenic right ventricular dysplasia 9 (ARVD9). Also called: Arrhythmogenic Right Ventricular Dysplasia/Cardiomyopathy 9; ARRHYTHMOGENIC RIGHT VENTRICULAR DYSPLASIA, FAMILIAL, 9. Identifiers: MedGen C1836906, MONDO:0012180, OMIM 609040.
Cardiovascular phenotype. Identifiers: MedGen CN230736.

Allele frequency attached by ClinVar (database versions not stated): gnomAD 0.00001; gnomAD exomes 0.00001; TOPMed 0.00001.
gnomAD v4.1: 8 of 1,364,928 alleles (0.00059%); highest among the groups gnomAD compares: Non-Finnish European, 0.00078%; no homozygotes.

Submissions (3):

Ambry Genetics
Classification: Likely benign for Cardiovascular phenotype. Last evaluated: 2023-08-23. Review status: criteria provided, single submitter. Criteria: Ambry Variant Classification Scheme 2023. Collection method: clinical testing. Allele origin: germline.

Labcorp Genetics (formerly Invitae), Labcorp
Classification: Uncertain significance for Arrhythmogenic right ventricular dysplasia 9. Last evaluated: 2022-09-13. Review status: criteria provided, single submitter. Criteria: Invitae Variant Classification Sherloc (09022015). Collection method: clinical testing. Allele origin: germline.
Comment: This sequence change falls in intron 5 of the PKP2 gene. It does not directly change the encoded amino acid sequence of the PKP2 protein. It affects a nucleotide within the consensus splice site. In summary, the available evidence is currently insufficient to determine the role of this variant in disease. Therefore, it has been classified as a Variant of Uncertain Significance. Variants that disrupt the consensus splice site are a relatively common cause of aberrant splicing (PMID: 17576681, 9536098). Algorithms developed to predict the effect of sequence changes on RNA splicing suggest that this variant is not likely to affect RNA splicing. ClinVar contains an entry for this variant (Variation ID: 919882). This variant has not been reported in the literature in individuals affected with PKP2-related conditions. The frequency data for this variant in the population databases is considered unreliable, as metrics indicate poor data quality at this position in the gnomAD database.

Color Diagnostics, LLC DBA Color Health
Classification: Likely benign for Cardiomyopathy. Last evaluated: 2020-01-29. Review status: criteria provided, single submitter. Criteria: ACMG Guidelines, 2015. Collection method: clinical testing. Allele origin: germline.

Literature cited by the submitters: PubMed 17576681 (cited by Labcorp Genetics (formerly Invitae), Labcorp); PubMed 9536098 (cited by Labcorp Genetics (formerly Invitae), Labcorp).

NM_001005242.3(PKP2):c.1379-2111C>T

Gene: PKP2 (plakophilin 2; minus strand). Cytogenetic location: 12p11.21.
Variant type: single nucleotide variant.
Coding change: c.1379-2111C>T on transcript NM_001005242.3 (MANE Select); 2111 bases into the intron before coding-DNA position 1379, C replaced by T.
Molecular consequence: intron variant.
Genome position (GRCh38, 1-based): chr12:32,843,316, G>A on the plus strand (C>T on the coding strand, the complement: PKP2 is on the minus strand). VCF-style: chr12-32843316-G-A. GRCh37 (hg19) VCF-style: chr12-32996250-G-A.
Other names: c.1379-3C>T (NM_004572.4).
Identifiers: ClinVar variation 919882 (VCV000919882.6), dbSNP rs1172703594, ClinGen allele CA604228342.
Genomic context (GRCh38, chr12:32,843,316, plus strand): 5'-CAGGCGTGAGCCACCGCGCCCGGCCAGCCATTCCTACTTCTTAAATTGACTGTATGGTCT[G>A]TACAAAGGAAAGAGGAAGCATAGGTACTCAGGGCAGGCTCCTTTATGAACACAGCAAATG-3'